The following is an entry in ClinVar:

NM_000051.4(ATM):c.1080T>G (p.Asp360Glu)

Gene: ATM (ATM serine/threonine kinase; plus strand). Cytogenetic location: 11q22.3.
Variant type: single nucleotide variant.
Coding change: c.1080T>G on transcript NM_000051.4 (MANE Select); coding-DNA position 1080, T replaced by G.
Protein change: p.Asp360Glu; replaces aspartic acid 360 with glutamic acid.
Molecular consequence: missense variant.
Genome position (GRCh38, 1-based): chr11:108,248,947, T>G. VCF-style: chr11-108248947-T-G. GRCh37 (hg19) VCF-style: chr11-108119674-T-G.
Other names: p.D360E:GAT>GAG; c.1080T>G, p.Asp360Glu (NM_001351834.2); short protein forms D360E.
Identifiers: ClinVar variation 181917 (VCV000181917.24), dbSNP rs199869975, ClinGen allele CA298135.

ClinVar aggregate classification (germline): Conflicting classifications of pathogenicity. Review status: criteria provided, conflicting classifications (1 of 4 stars). 7 submissions from 7 submitters: Uncertain significance (5); Likely benign (1). 1 of the submissions does not count toward it. Last evaluated 2025-10-15.

Conditions:
Hereditary cancer-predisposing syndrome. Also called: Tumor predisposition; Hereditary Cancer Syndrome; Hereditary neoplastic syndrome; Neoplastic Syndromes, Hereditary. Identifiers: Orphanet 140162, MedGen C0027672, MeSH D009386, MONDO:0015356.
Familial cancer of breast. Also called: BREAST CANCER, FAMILIAL; hereditary breast carcinoma; Hereditary breast cancer. Identifiers: Orphanet 227535, MedGen C0346153, MONDO:0016419, OMIM 114480. Disease mechanism: loss of function.
Ataxia-telangiectasia syndrome (AT). Also called: LOUIS-BAR SYNDROME; Cerebello-oculocutaneous telangiectasia; Immunodeficiency with ataxia telangiectasia; ATAXIA-TELANGIECTASIA, COMPLEMENTATION GROUP A; ATAXIA-TELANGIECTASIA, FRESNO VARIANT; Ataxia-telangiectasia. Identifiers: Orphanet 100, MedGen C0004135, MONDO:0008840, OMIM 208900.

Allele frequency attached by ClinVar (database versions not stated): gnomAD 0.00001; TOPMed 0.00001.
gnomAD v4.1: 4 of 1,609,270 alleles (0.00025%); highest among the groups gnomAD compares: Admixed American, 0.0017%; no homozygotes.

Submissions (7):

Ambry Genetics
Classification: Likely benign for Hereditary cancer-predisposing syndrome. Last evaluated: 2025-10-15. Review status: criteria provided, single submitter. Criteria: Ambry Variant Classification Scheme 2023. Collection method: clinical testing. Allele origin: germline.

Labcorp Genetics (formerly Invitae), Labcorp
Classification: Uncertain significance for Ataxia-telangiectasia syndrome. Last evaluated: 2025-08-22. Review status: criteria provided, single submitter. Criteria: Invitae Variant Classification Sherloc (09022015). Collection method: clinical testing. Allele origin: germline.
Comment: This sequence change replaces aspartic acid, which is acidic and polar, with glutamic acid, which is acidic and polar, at codon 360 of the ATM protein (p.Asp360Glu). This variant is present in population databases (rs199869975, gnomAD 0.003%). This variant has not been reported in the literature in individuals affected with ATM-related conditions. ClinVar contains an entry for this variant (Variation ID: 181917). Invitae Evidence Modeling of protein sequence and biophysical properties (such as structural, functional, and spatial information, amino acid conservation, physicochemical variation, residue mobility, and thermodynamic stability) indicates that this missense variant is not expected to disrupt ATM protein function with a negative predictive value of 95%. In summary, the available evidence is currently insufficient to determine the role of this variant in disease. Therefore, it has been classified as a Variant of Uncertain Significance.

Color Diagnostics, LLC DBA Color Health
Classification: Uncertain significance for Hereditary cancer-predisposing syndrome. Last evaluated: 2023-12-05. Review status: criteria provided, single submitter. Criteria: ACMG Guidelines, 2015. Collection method: clinical testing. Allele origin: germline.
Comment: This missense variant replaces aspartic acid with glutamic acid at codon 360 of the ATM protein. Computational prediction suggests that this variant may not impact protein structure and function (internally defined REVEL score threshold <= 0.5, PMID: 27666373). To our knowledge, functional studies have not been reported for this variant. This variant has not been reported in individuals affected with ATM-related disorders in the literature. This variant has been identified in 1/250194 chromosomes in the general population by the Genome Aggregation Database (gnomAD). The available evidence is insufficient to determine the role of this variant in disease conclusively. Therefore, this variant is classified as a Variant of Uncertain Significance.

Baylor Genetics
Classification: Uncertain significance for Familial cancer of breast. Last evaluated: 2023-08-30. Review status: criteria provided, single submitter. Criteria: ACMG Guidelines, 2015. Collection method: clinical testing. Allele origin: unknown.

Laboratorio de Genetica e Diagnostico Molecular, Hospital Israelita Albert Einstein
Classification: Uncertain significance for Familial cancer of breast. Last evaluated: 2021-11-01. Review status: criteria provided, single submitter. Criteria: ACMG Guidelines, 2015. Collection method: clinical testing. Allele origin: germline. Affected: yes.
Comment: ACMG classification criteria: PM2 moderate, BP4 supporting

GeneDx
Classification: Uncertain significance. Last evaluated: 2014-09-11. Review status: criteria provided, single submitter. Criteria: GeneDx Variant Classification (06012015). Collection method: clinical testing. Allele origin: germline. Affected: yes.
Comment: This variant is denoted ATM c.1080T>G at the cDNA level, p.Asp360Glu (D360E) at the protein level, and results in the change of an Aspartic Acid to a Glutamic Acid (GAT>GAG). This variant has not, to our knowledge, been published in the literature as pathogenic or benign. ATM Asp360Glu was not observed in approximately 6,500 individuals of European and African American ancestry in the NHLBI Exome Sequencing Project, indicating it is not a common benign variant in these populations. Since Aspartic Acid and Glutamic Acid share similar properties, this is considered a conservative amino acid substitution. ATM Asp360Glu occurs at a position that is moderately conserved across mammals and is not located in a known functional domain. In silico analyses predict that this variant is unlikely to alter protein structure or function. Based on currently available information, it is unclear whether ATM Asp360Glu is pathogenic or benign. We consider it to be a variant of uncertain significance.

Natera, Inc.
Classification: Uncertain significance for Ataxia-telangiectasia. Last evaluated: 2020-09-16. Review status: no assertion criteria provided. Collection method: clinical testing. Allele origin: germline. Not counted in ClinVar's aggregate classification.

Literature cited by the submitters: PubMed 40580951 (cited by Ambry Genetics).